The following is an entry in ClinVar:

NM_030665.4(RAI1):c.2694C>T (p.Ile898=)

Gene: RAI1 (retinoic acid induced 1; plus strand). Cytogenetic location: 17p11.2.
Variant type: single nucleotide variant.
Coding change: c.2694C>T on transcript NM_030665.4 (MANE Select); coding-DNA position 2694, C replaced by T.
Protein change: p.Ile898=; no amino-acid change (isoleucine 898 retained).
Molecular consequence: synonymous variant.
Genome position (GRCh38, 1-based): chr17:17,795,642, C>T. VCF-style: chr17-17795642-C-T. GRCh37 (hg19) VCF-style: chr17-17698956-C-T.
Identifiers: ClinVar variation 4991479 (VCV004991479.1).

ClinVar aggregate classification (germline): Likely benign (1 of 4 stars; one submission).

Conditions:
RAI1-related disorder. Also called: RAI1-related condition.

Submission:

PreventionGenetics, part of Exact Sciences
Classification: Likely benign for RAI1-related condition. Last evaluated: 2026-02-03. Review status: criteria provided, single submitter. Criteria: ACMG Guidelines, 2015. Collection method: clinical testing. Allele origin: germline.
Comment: This variant is classified as likely benign based on ACMG/AMP sequence variant interpretation guidelines (Richards et al. 2015 PMID: 25741868, with internal and published modifications).